The following is an entry in ClinVar:

NM_003200.5(TCF3):c.1302A>G (p.Ser434=)

Gene: TCF3 (transcription factor 3; minus strand). Cytogenetic location: 19p13.3.
Variant type: single nucleotide variant.
Coding change: c.1302A>G on transcript NM_003200.5 (MANE Select); coding-DNA position 1302, A replaced by G.
Protein change: p.Ser434=; no amino-acid change (serine 434 retained).
Molecular consequence: synonymous variant.
Genome position (GRCh38, 1-based): chr19:1,619,340, T>C on the plus strand (A>G on the coding strand, the complement: TCF3 is on the minus strand). VCF-style: chr19-1619340-T-C. GRCh37 (hg19) VCF-style: chr19-1619339-T-C.
Other names: p.Ser434=; c.1302A>G, p.Ser434= (NM_001136139.4, NM_001351779.2); c.1299A>G, p.Ser433= (NM_001351778.2).
Identifiers: ClinVar variation 1167431 (VCV001167431.16), dbSNP rs8140, ClinGen allele CA9049945.

ClinVar aggregate classification (germline): Benign. Review status: criteria provided, multiple submitters, no conflicts (2 of 4 stars). 6 submissions from 6 submitters: Benign (6). Last evaluated 2026-02-04.

Allele frequency attached by ClinVar (database versions not stated): 1000 Genomes Project 30x 0.62617; ESP Exome Variant Server 0.49017; 1000 Genomes Project 0.62380; TOPMed 0.53698.
gnomAD v4.1: 692,002 of 1,577,618 alleles (44%); highest among the groups gnomAD compares: East Asian, 86%; 161,199 homozygotes.

Submissions (6):

Labcorp Genetics (formerly Invitae), Labcorp
Classification: Benign. Last evaluated: 2026-02-04. Review status: criteria provided, single submitter. Criteria: Invitae Variant Classification Sherloc (09022015). Collection method: clinical testing. Allele origin: germline.

Women's Health and Genetics/Laboratory Corporation of America, LabCorp
Classification: Benign. Last evaluated: 2026-01-21. Review status: criteria provided, single submitter. Criteria: LabCorp Variant Classification Summary - May 2015. Collection method: clinical testing. Allele origin: germline.

Unidad de Genómica Garrahan, Hospital de Pediatría Garrahan
Classification: Benign. Last evaluated: 2024-01-24. Review status: criteria provided, single submitter. Criteria: ACMG Guidelines, 2015. Collection method: clinical testing. Allele origin: germline. Affected: no. Observed: 72 variant alleles.
Comment: This variant is classified as Benign based on local population frequency. This variant was detected in 76% of patients studied by a panel of primary immunodeficiencies. Number of patients: 72. Only high quality variants are reported.

GeneDx
Classification: Benign. Last evaluated: 2019-06-10. Review status: criteria provided, single submitter. Criteria: GeneDx Variant Classification Process June 2021. Collection method: clinical testing. Allele origin: germline. Affected: yes.

Mayo Clinic Laboratories, Mayo Clinic
Classification: Benign. Last evaluated: 2016-10-04. Review status: criteria provided, single submitter. Criteria: ACMG Guidelines, 2015. Collection method: clinical testing. Allele origin: germline. Observed: 111 variant alleles.

Breakthrough Genomics
Classification: Benign. Review status: criteria provided, single submitter. Criteria: ACMG Guidelines, 2015. Collection method: not provided. Allele origin: germline. Inheritance: Autosomal recessive inheritance. Affected: yes.